The following is an entry in ClinVar:

ClinVar aggregate classification (germline): Conflicting classifications of pathogenicity. Review status: criteria provided, conflicting classifications (1 of 4 stars). 7 submissions from 6 submitters: Uncertain significance (2); Likely benign (4). 1 of the submissions does not count toward it. Last evaluated 2025-11-05.

Conditions:
NPHP4-related disorder. Also called: NPHP4-related condition; NPHP4-related disorders. Identifiers: MedGen CN239384.
Nephronophthisis. Also called: Juvenile Nephronophthisis. Identifiers: Orphanet 655, MedGen C0687120, MONDO:0019005, HP:0000090.
Senior-Loken syndrome 4 (SLSN4). Identifiers: Orphanet 3156, MedGen C1846979, MONDO:0011756, OMIM 606996.
Nephronophthisis 4 (NPHP4). Also called: NEPHRONOPHTHISIS 4, JUVENILE. Identifiers: Orphanet 655, MedGen C1847013, MONDO:0011752, OMIM 606966.

Allele frequency attached by ClinVar (database versions not stated): TOPMed 0.00001; 1000 Genomes Project 0.00120; 1000 Genomes Project 30x 0.00156.
gnomAD v4.1: 573 of 1,613,968 alleles (0.036%); highest among the groups gnomAD compares: South Asian, 0.58%; 8 homozygotes.

Submissions (7):

Labcorp Genetics (formerly Invitae), Labcorp
Classification: Likely benign for Nephronophthisis. Last evaluated: 2025-11-05. Review status: criteria provided, single submitter. Criteria: Invitae Variant Classification Sherloc (09022015). Collection method: clinical testing. Allele origin: germline.

Mayo Clinic Laboratories, Mayo Clinic
Classification: Likely benign. Last evaluated: 2025-05-20. Review status: criteria provided, single submitter. Criteria: ACMG Guidelines, 2015. Collection method: clinical testing. Allele origin: germline. Observed: 1 variant allele.
Comment: BS1, PP3_moderate

Blueprint Genetics
Classification: Likely benign. Last evaluated: 2024-10-01. Review status: criteria provided, single submitter. Criteria: ACMG Guidelines, 2015. Collection method: clinical testing. Allele origin: germline.

Illumina Laboratory Services, Illumina
Classification: Uncertain significance for Senior-Loken syndrome 4. Last evaluated: 2017-04-27. Review status: criteria provided, single submitter. Criteria: ICSL Variant Classification Criteria 13 December 2019. Collection method: clinical testing. Allele origin: germline.

Illumina Laboratory Services, Illumina
Classification: Uncertain significance for Nephronophthisis 4. Last evaluated: 2017-04-27. Review status: criteria provided, single submitter. Criteria: ICSL Variant Classification Criteria 13 December 2019. Collection method: clinical testing. Allele origin: germline.

Eurofins Ntd Llc (ga)
Classification: Likely benign. Last evaluated: 2017-01-19. Review status: criteria provided, single submitter. Criteria: EGL Classification Definitions 2015. Collection method: clinical testing. Allele origin: germline. Observed: 1 variant allele, 1 heterozygote.

PreventionGenetics, part of Exact Sciences
Classification: Likely benign for NPHP4-related condition. Last evaluated: 2021-02-15. Review status: no assertion criteria provided. Collection method: clinical testing. Allele origin: germline. Not counted in ClinVar's aggregate classification.
Comment: This variant is classified as likely benign based on ACMG/AMP sequence variant interpretation guidelines (Richards et al. 2015 PMID: 25741868, with internal and published modifications).

NM_015102.5(NPHP4):c.2021G>T (p.Arg674Leu)

Gene: NPHP4 (nephrocystin 4; minus strand). Cytogenetic location: 1p36.31.
Variant type: single nucleotide variant.
Coding change: c.2021G>T on transcript NM_015102.5 (MANE Select); coding-DNA position 2021, G replaced by T.
Protein change: p.Arg674Leu; replaces arginine 674 with leucine.
Molecular consequence: missense variant. On other transcripts: non-coding transcript variant (1).
Genome position (GRCh38, 1-based): chr1:5,904,739, C>A on the plus strand (G>T on the coding strand, the complement: NPHP4 is on the minus strand). VCF-style: chr1-5904739-C-A. GRCh37 (hg19) VCF-style: chr1-5964799-C-A.
Other names: p.Arg674Leu; c.482G>T, p.Arg161Leu (NM_001291593.2); c.485G>T, p.Arg162Leu (NM_001291594.2); short protein forms R674L, R162L, R161L.
Identifiers: ClinVar variation 499988 (VCV000499988.22), dbSNP rs375416303, ClinGen allele CA554299.